The following is an entry in ClinVar:

NM_001378452.1(ITPR1):c.*47G>C

Gene: ITPR1 (inositol 1,4,5-trisphosphate receptor type 1; plus strand). Cytogenetic location: 3p26.1.
Variant type: single nucleotide variant.
Coding change: c.*47G>C on transcript NM_001378452.1 (MANE Select); 47 bases downstream of the stop codon, G replaced by C.
Molecular consequence: 3 prime UTR variant.
Genome position (GRCh38, 1-based): chr3:4,846,272, G>C. VCF-style: chr3-4846272-G-C. GRCh37 (hg19) VCF-style: chr3-4887956-G-C.
Other names: c.*47G>C (NM_001099952.4, NM_001168272.2, NM_002222.7).
Identifiers: ClinVar variation 345897 (VCV000345897.9), dbSNP rs74998763, ClinGen allele CA2233115.

ClinVar aggregate classification (germline): Benign. Review status: criteria provided, multiple submitters, no conflicts (2 of 4 stars). 3 submissions from 3 submitters: Benign (3). Last evaluated 2018-08-31.

Conditions:
Autosomal dominant cerebellar ataxia. Also called: Spinocerebellar Ataxia, Dominant. Identifiers: Orphanet 99, MedGen C4087347, MONDO:0020380.

Allele frequency attached by ClinVar (database versions not stated): gnomAD exomes 0.01802 and 0.03743; gnomAD 0.02401 and 0.02898; TOPMed 0.02718; 1000 Genomes Project 30x 0.06746; 1000 Genomes Project 0.07169; ExAC 0.07247.
gnomAD v4.1: 25,019 of 1,277,966 alleles (2%); highest among the groups gnomAD compares: South Asian, 18%; 1,690 homozygotes.

Submissions (3):

GeneDx
Classification: Benign. Last evaluated: 2018-08-31. Review status: criteria provided, single submitter. Criteria: GeneDx Variant Classification Process June 2021. Collection method: clinical testing. Allele origin: germline. Affected: yes.

Illumina Laboratory Services, Illumina
Classification: Benign for Spinocerebellar Ataxia, Dominant. Last evaluated: 2018-01-13. Review status: criteria provided, single submitter. Criteria: ICSL Variant Classification Criteria 13 December 2019. Collection method: clinical testing. Allele origin: germline.
Comment: This variant was observed in the ICSL laboratory as part of a predisposition screen in an ostensibly healthy population. It had not been previously curated by ICSL or reported in the Human Gene Mutation Database (HGMD: prior to June 1st, 2018), and was therefore a candidate for classification through an automated scoring system. Utilizing variant allele frequency, disease prevalence and penetrance estimates, and inheritance mode, an automated score was calculated to assess if this variant is too frequent to cause the disease. Based on the score and internal cut-off values, a variant classified as benign is not then subjected to further curation. The score for this variant resulted in a classification of benign for this disease.

Breakthrough Genomics
Classification: Benign. Review status: criteria provided, single submitter. Criteria: ACMG Guidelines, 2015. Collection method: not provided. Allele origin: germline. Inheritance: Autosomal dominant inheritance. Affected: yes.